The following is an entry in ClinVar:

NC_000014.8:g.(?_88391407)_(89343754_?)dup

Genes: TTC8 (tetratricopeptide repeat domain 8; plus strand), PTPN21 (protein tyrosine phosphatase non-receptor type 21; minus strand), ZC3H14 (zinc finger CCCH-type containing 14; plus strand), EML5 (EMAP like 5; minus strand), SPATA7 (spermatogenesis associated 7; plus strand) and 3 more. Cytogenetic location: 14q31.3.
Variant type: Duplication.
Identifiers: ClinVar variation 2426470 (VCV002426470.4).

ClinVar aggregate classification (germline): Uncertain significance (1 of 4 stars; one submission).

Conditions:
Leber congenital amaurosis 3 (LCA3). Also called: SPATA7-Related Retinitis Pigmentosa. Identifiers: MedGen C1858677, MONDO:0011415, OMIM 604232.

Submission:

Labcorp Genetics (formerly Invitae), Labcorp
Classification: Uncertain significance for Leber congenital amaurosis 3. Last evaluated: 2022-06-22. Review status: criteria provided, single submitter. Criteria: Invitae Variant Classification Sherloc (09022015). Collection method: clinical testing. Allele origin: germline.
Comment: A copy number gain of the genomic region encompassing the full coding sequence of the SPATA7 gene has been identified. The boundaries of this event are unknown as they extend beyond the assayed region for this gene and therefore may encompass additional genes. As the precise location of this event is unknown, it may be in tandem or it may be located elsewhere in the genome. This variant has not been reported in the literature in individuals affected with SPATA7-related conditions. In summary, the available evidence is currently insufficient to determine the role of this variant in disease. Therefore, it has been classified as a Variant of Uncertain Significance.